The following is an entry in ClinVar:

ClinVar aggregate classification (germline): Conflicting classifications of pathogenicity. Review status: criteria provided, conflicting classifications (1 of 4 stars). 3 submissions from 3 submitters: Likely pathogenic (1); Uncertain significance (1). 1 of the submissions does not count toward it. Last evaluated 2026-01-21.

Conditions:
Methylmalonic aciduria, cblA type (MACA). Also called: Vitamin B12-responsive methylmalonic acidemia type cblA; Methylmalonic aciduria, vitamin b12-responsive, due to defect in synthesis of adenosylcobalamin, cbla complementation type; MMA cbl A type; Methylmalonic acidemia cblA type; Methylmalonic aciduria, vitamin B12-responsive. Identifiers: Orphanet 28, Orphanet 79310, MedGen C1855109, MONDO:0009613, OMIM 251100.
Methylmalonic acidemia (MMA). Also called: Isolated Methylmalonic Acidemia. Identifiers: MedGen C0268583, MeSH C537358, MONDO:0002012, HP:0002912.

Submissions (3):

Myriad Genetics, Inc.
Classification: Uncertain significance for Methylmalonic aciduria, cblA type. Last evaluated: 2026-01-21. Review status: criteria provided, single submitter. Criteria: Myriad Autosomal Dominant, Autosomal Recessive and X-Linked Classification Criteria (2023). Collection method: clinical testing. Allele origin: unknown.
Comment: NM_172250.2(MMAA):c.653G>A(G218E) is a missense variant classified as a variant of uncertain significance in the context of methylmalonic acidemia, cblA type. G218E has been observed in cases with relevant disease (PMID: 15523652). Relevant functional assessments of this variant are available in the literature (PMID: 28497574). G218E has not been observed in referenced population frequency databases. In summary, there is insufficient evidence to classify NM_172250.2(MMAA):c.653G>A(G218E) as pathogenic or benign. Please note: this variant was assessed in the context of healthy population screening.

Women's Health and Genetics/Laboratory Corporation of America, LabCorp
Classification: Likely pathogenic for Methylmalonic acidemia. Last evaluated: 2025-01-24. Review status: criteria provided, single submitter. Criteria: LabCorp Variant Classification Summary - May 2015. Collection method: clinical testing. Allele origin: germline.
Comment: Variant summary: MMAA c.653G>A (p.Gly218Glu) results in a non-conservative amino acid change located in the P-loop containing nucleoside triphosphate hydrolase (IPR027417) of the encoded protein sequence. Five of five in-silico tools predict a damaging effect of the variant on protein function. The variant was absent in 251418 control chromosomes. c.653G>A has been reported in the literature in 2 individuals affected with Methylmalonic Acidemia in the compound heterozygous state (Lerner-Ellis_2004). One publication reports experimental evidence evaluating an impact on protein function. The p.G218E variant effect results in a loss of binding ability to other metabolic proteins, which has been indicated as a disease mechanism and additionally results in significantly higher Km and lower Vmax (Plessl_2017). The following publications have been ascertained in the context of this evaluation (PMID: 17728257, 15523652, 28497574, 22661206). ClinVar contains an entry for this variant (Variation ID: 218977). Based on the evidence outlined above, the variant was classified as likely pathogenic.

GeneReviews
No classification provided. Condition: Methylmalonic aciduria, cblA type. Review status: no classification provided. Collection method: literature only. Allele origin: germline. Affected: yes. Not counted in ClinVar's aggregate classification.

Literature cited by the submitters: PubMed 15523652 (cited by Myriad Genetics, Inc. and Women's Health and Genetics/Laboratory Corporation of America, LabCorp); PubMed 28497574 (cited by Myriad Genetics, Inc. and Women's Health and Genetics/Laboratory Corporation of America, LabCorp); PubMed 17728257 (cited by Women's Health and Genetics/Laboratory Corporation of America, LabCorp); PubMed 22661206 (cited by Women's Health and Genetics/Laboratory Corporation of America, LabCorp); NCBI Bookshelf NBK1231 (cited by GeneReviews).

NM_172250.3(MMAA):c.653G>A (p.Gly218Glu)

Gene: MMAA (metabolism of cobalamin associated A; plus strand). Cytogenetic location: 4q31.21.
Variant type: single nucleotide variant.
Coding change: c.653G>A on transcript NM_172250.3 (MANE Select); coding-DNA position 653, G replaced by A.
Protein change: p.Gly218Glu; replaces glycine 218 with glutamic acid.
Molecular consequence: missense variant.
Genome position (GRCh38, 1-based): chr4:145,646,076, G>A. VCF-style: chr4-145646076-G-A. GRCh37 (hg19) VCF-style: chr4-146567228-G-A.
Other names: short protein forms G218E.
Identifiers: ClinVar variation 218977 (VCV000218977.9), dbSNP rs864309730, ClinGen allele CA347896.